The following is an entry in ClinVar:

ClinVar aggregate classification (germline): Benign/Likely benign. Review status: criteria provided, multiple submitters, no conflicts (2 of 4 stars). 3 submissions from 3 submitters: Benign (1); Likely benign (1). 1 of the submissions does not count toward it. Last evaluated 2026-01-26.

Conditions:
STAT1-related disorder. Also called: STAT1-related condition.
Mendelian susceptibility to mycobacterial diseases due to partial STAT1 deficiency. Also called: IMMUNODEFICIENCY 31A, MYCOBACTERIOSIS, AUTOSOMAL DOMINANT; STAT1 DEFICIENCY, AUTOSOMAL DOMINANT; Immunodeficiency 31a. Identifiers: Orphanet 319595, MedGen C4013950, MONDO:0013956, OMIM 614892.
Immunodeficiency 31B. Also called: STAT1 DEFICIENCY, AUTOSOMAL RECESSIVE; IMMUNODEFICIENCY 31B, MYCOBACTERIAL AND VIRAL INFECTIONS, AUTOSOMAL RECESSIVE. Identifiers: Orphanet 391311, MedGen C3151088, MONDO:0013427, OMIM 613796.
Autoimmune enteropathy and endocrinopathy - susceptibility to chronic infections syndrome. Also called: Immunodeficiency 31C; Immunodeficiency 31C, autosomal dominant. Identifiers: Orphanet 391487, MedGen C3279990, MONDO:0013599, OMIM 614162.

Allele frequency attached by ClinVar (database versions not stated): gnomAD exomes 0.00020 and 0.00043; ESP Exome Variant Server 0.00031; ExAC 0.00036; 1000 Genomes Project 0.00040; 1000 Genomes Project 30x 0.00047; gnomAD 0.00065 and 0.00066; TOPMed 0.00073.
gnomAD v4.1: 381 of 1,610,668 alleles (0.024%); highest among the groups gnomAD compares: African/African-American, 0.2%; 3 homozygotes.

Submissions (3):

Labcorp Genetics (formerly Invitae), Labcorp
Classification: Benign for Mendelian susceptibility to mycobacterial diseases due to partial STAT1 deficiency; Immunodeficiency 31B; Autoimmune enteropathy and endocrinopathy - susceptibility to chronic infections syndrome. Last evaluated: 2026-01-26. Review status: criteria provided, single submitter. Criteria: Invitae Variant Classification Sherloc (09022015). Collection method: clinical testing. Allele origin: germline.

Blueprint Genetics
Classification: Likely benign. Last evaluated: 2024-09-09. Review status: criteria provided, single submitter. Criteria: ACMG Guidelines, 2015. Collection method: clinical testing. Allele origin: germline.

PreventionGenetics, part of Exact Sciences
Classification: Likely benign for STAT1-related condition. Last evaluated: 2019-09-17. Review status: no assertion criteria provided. Collection method: clinical testing. Allele origin: germline. Not counted in ClinVar's aggregate classification.
Comment: This variant is classified as likely benign based on ACMG/AMP sequence variant interpretation guidelines (Richards et al. 2015 PMID: 25741868, with internal and published modifications).

NM_007315.4(STAT1):c.1127+9C>T

Gene: STAT1 (signal transducer and activator of transcription 1; minus strand). Cytogenetic location: 2q32.2.
Variant type: single nucleotide variant.
Coding change: c.1127+9C>T on transcript NM_007315.4 (MANE Select); 9 bases into the intron after coding-DNA position 1127, C replaced by T.
Molecular consequence: intron variant.
Genome position (GRCh38, 1-based): chr2:190,987,030, G>A on the plus strand (C>T on the coding strand, the complement: STAT1 is on the minus strand). VCF-style: chr2-190987030-G-A. GRCh37 (hg19) VCF-style: chr2-191851756-G-A.
Other names: c.1037+9C>T (NM_001384890.1); c.1028+9C>T (NM_001384883.1); c.968+9C>T (NM_001384885.1); c.1034+9C>T (NM_001384887.1); c.1067+9C>T (NM_001384880.1); c.1098-83C>T (NM_001384888.1); c.1127+9C>T (NM_001384882.1, NM_001384889.1, NM_001384886.1 and 1 more transcripts); c.1163+9C>T (NM_001384891.1); and 1 more.
Identifiers: ClinVar variation 791049 (VCV000791049.14), dbSNP rs201370851, ClinGen allele CA2030034.